The following is an entry in ClinVar:

NM_006565.4(CTCF):c.398A>T (p.Glu133Val)

Gene: CTCF (CCCTC-binding factor; plus strand). Cytogenetic location: 16q22.1.
Variant type: single nucleotide variant.
Coding change: c.398A>T on transcript NM_006565.4 (MANE Select); coding-DNA position 398, A replaced by T.
Protein change: p.Glu133Val; replaces glutamic acid 133 with valine.
Molecular consequence: missense variant. On other transcripts: intron variant (1).
Genome position (GRCh38, 1-based): chr16:67,611,230, A>T. VCF-style: chr16-67611230-A-T. GRCh37 (hg19) VCF-style: chr16-67645133-A-T.
Other names: c.398A>T, p.Glu133Val (NM_001363916.2, NM_001438968.1, NM_001438969.1); c.-32-5515A>T (NM_001191022.2); short protein forms E133V.
Identifiers: ClinVar variation 4885948 (VCV004885948.2).

ClinVar aggregate classification (germline): Uncertain significance (1 of 4 stars; one submission).

Submission:

Dasa
Classification: Uncertain significance. Last evaluated: 2025-06-10. Review status: criteria provided, single submitter. Criteria: DASA Assertion Criteria. Collection method: clinical testing. Allele origin: germline.
Comment: NM_006565.4(CTCF):c.398A>T (p.Glu133Val) is a missense variant that results in the substitution of glutamic acid with valine. This variant is absent from population databases. Computational prediction algorithms are consistent with a benign effect. The currently available literature and clinical evidence are not sufficient to establish a definitive association between this variant and the reported condition. Therefore, this variant is classified as a variant of uncertain significance.